The following is an entry in ClinVar:

ClinVar aggregate classification (germline): Uncertain significance. Review status: criteria provided, multiple submitters, no conflicts (2 of 4 stars). 3 submissions from 3 submitters: Uncertain significance (2). 1 of the submissions does not count toward it. Last evaluated 2023-10-01.

Conditions:
Retinal dystrophy. Also called: Inherited retinal dystrophy. Identifiers: Orphanet 71862, MedGen C0854723, MeSH D058499, MONDO:0019118, HP:0000556.
Retinitis pigmentosa (RP). Identifiers: Orphanet 791, MedGen C0035334, MeSH D012174, MONDO:0019200, OMIM 268000. Inheritance: Autosomal dominant, autosomal recessive and X linked inheritance.

Allele frequency attached by ClinVar (database versions not stated): gnomAD exomes 0.00001; TOPMed 0.00001.
gnomAD v4.1: 8 of 1,551,760 alleles (0.00052%); highest among the groups gnomAD compares: East Asian, 0.015%; no homozygotes.

Submissions (3):

Dept Of Ophthalmology, Nagoya University
Classification: Uncertain significance for Retinal dystrophy. Last evaluated: 2023-10-01. Review status: criteria provided, single submitter. Criteria: Submitter's publication. Collection method: research. Allele origin: germline. Affected: yes.

Women's Health and Genetics/Laboratory Corporation of America, LabCorp
Classification: Uncertain significance. Last evaluated: 2023-07-27. Review status: criteria provided, single submitter. Criteria: LabCorp Variant Classification Summary - May 2015. Collection method: clinical testing. Allele origin: germline.
Comment: Variant summary: EYS c.7793G>A (p.Gly2598Asp) results in a non-conservative amino acid change located in the Laminin G domain (IPR001791) of the encoded protein sequence. Three of five in-silico tools predict a benign effect of the variant on protein function. The variant was absent in 157172 control chromosomes. c.7793G>A has been reported in the literature in individuals affected with Retinitis Pigmentosa (Hosono_2012, Hirashima_2017). These data indicate that the variant may be associated with disease. To our knowledge, no experimental evidence demonstrating an impact on protein function has been reported. The following publications have been ascertained in the context of this evaluation (PMID: 31054281, 28763560, 22363543, 23421333). No submitters have cited clinical-significance assessments for this variant to ClinVar after 2014. Based on the evidence outlined above, the variant was classified as VUS-possibly pathogenic.

Department of Ophthalmology and Visual Sciences Kyoto University
Classification: Pathogenic for Retinitis pigmentosa. Review status: no assertion criteria provided. Collection method: not provided. Allele origin: unknown. Not counted in ClinVar's aggregate classification.
ClinVar note: Converted during submission from pathogenic to Pathogenic.

Literature cited by the submitters: PubMed 31054281 (cited by Women's Health and Genetics/Laboratory Corporation of America, LabCorp); PubMed 22363543 (cited by Women's Health and Genetics/Laboratory Corporation of America, LabCorp); PubMed 28763560 (cited by Women's Health and Genetics/Laboratory Corporation of America, LabCorp); PubMed 23421333 (cited by Women's Health and Genetics/Laboratory Corporation of America, LabCorp).

NM_001142800.2(EYS):c.7793G>A (p.Gly2598Asp)

Gene: EYS (EGF-like photoreceptor maintenance factor; minus strand). Cytogenetic location: 6q12.
Variant type: single nucleotide variant.
Coding change: c.7793G>A on transcript NM_001142800.2 (MANE Select); coding-DNA position 7793, G replaced by A.
Protein change: p.Gly2598Asp; replaces glycine 2598 with aspartic acid.
Molecular consequence: missense variant.
Genome position (GRCh38, 1-based): chr6:63,778,111, C>T on the plus strand (G>A on the coding strand, the complement: EYS is on the minus strand). VCF-style: chr6-63778111-C-T. GRCh37 (hg19) VCF-style: chr6-64488004-C-T.
Other names: c.7793G>A, p.Gly2598Asp (NM_001292009.2); short protein forms G2598D.
Identifiers: ClinVar variation 143111 (VCV000143111.4), dbSNP rs527236064, ClinGen allele CA270063.
Genomic context (GRCh38, chr6:63,778,111, plus strand): 5'-TTCATTAAACTGCAGGGAGAAGCATGACACTGGCCAACACTGCGTCCAGCATTTGGGTGG[C>T]CCTCAGGATTTCCCAGTCCTCTGAAATGGCCATCCTTCTCAGTGCGAACTTGAAGAGTGA-3'
Protein context (NP_001136272.1, residues 2588-2608): GHFRGLGNPE[Gly2598Asp]HPNAGRSVGQ